The following is an entry in ClinVar:

NM_000081.4(LYST):c.8239C>G (p.Leu2747Val)

Gene: LYST (lysosomal trafficking regulator; minus strand). Cytogenetic location: 1q42.3.
Variant type: single nucleotide variant.
Coding change: c.8239C>G on transcript NM_000081.4 (MANE Select); coding-DNA position 8239, C replaced by G.
Protein change: p.Leu2747Val; replaces leucine 2747 with valine.
Molecular consequence: missense variant.
Genome position (GRCh38, 1-based): chr1:235,741,541, G>C on the plus strand (C>G on the coding strand, the complement: LYST is on the minus strand). VCF-style: chr1-235741541-G-C. GRCh37 (hg19) VCF-style: chr1-235904841-G-C.
Other names: c.8239C>G, p.Leu2747Val (NM_001301365.1); c.8239C>G (NM_000081.2); short protein forms L2747V.
Identifiers: ClinVar variation 1476020 (VCV001476020.5), dbSNP rs763269074, ClinGen allele CA1465921.

ClinVar aggregate classification (germline): Uncertain significance. Review status: criteria provided, multiple submitters, no conflicts (2 of 4 stars). 2 submissions from 2 submitters: Uncertain significance (2). Last evaluated 2025-10-08.

Conditions:
Inborn genetic diseases. Identifiers: MedGen C0950123, MeSH D030342.
Chédiak-Higashi syndrome (CHS). Also called: Chediak-Higashi Syndrome. Identifiers: Orphanet 167, MedGen C0007965, MONDO:0008963, OMIM 214500.

Allele frequency attached by ClinVar (database versions not stated): ExAC 0.00002; gnomAD 0.00004; TOPMed 0.00004; gnomAD exomes 0.00001.
gnomAD v4.1: 18 of 1,613,800 alleles (0.0011%); highest among the groups gnomAD compares: African/African-American, 0.015%; no homozygotes.

Submissions (2):

Labcorp Genetics (formerly Invitae), Labcorp
Classification: Uncertain significance for Chédiak-Higashi syndrome. Last evaluated: 2025-10-08. Review status: criteria provided, single submitter. Criteria: Invitae Variant Classification Sherloc (09022015). Collection method: clinical testing. Allele origin: germline.
Comment: This sequence change replaces leucine, which is neutral and non-polar, with valine, which is neutral and non-polar, at codon 2747 of the LYST protein (p.Leu2747Val). This variant is present in population databases (rs763269074, gnomAD 0.02%). This variant has not been reported in the literature in individuals affected with LYST-related conditions. ClinVar contains an entry for this variant (Variation ID: 1476020). Invitae Evidence Modeling of protein sequence and biophysical properties (such as structural, functional, and spatial information, amino acid conservation, physicochemical variation, residue mobility, and thermodynamic stability) indicates that this missense variant is not expected to disrupt LYST protein function with a negative predictive value of 80%. In summary, the available evidence is currently insufficient to determine the role of this variant in disease. Therefore, it has been classified as a Variant of Uncertain Significance.

Ambry Genetics
Classification: Uncertain significance for Inborn genetic diseases. Last evaluated: 2024-11-28. Review status: criteria provided, single submitter. Criteria: Ambry Variant Classification Scheme 2023. Collection method: clinical testing. Allele origin: germline.